The following is an entry in ClinVar:

NM_000548.5(TSC2):c.4473A>C (p.Lys1491Asn)

Gene: TSC2 (TSC complex subunit 2; plus strand). Cytogenetic location: 16p13.3.
Variant type: single nucleotide variant.
Coding change: c.4473A>C on transcript NM_000548.5 (MANE Select); coding-DNA position 4473, A replaced by C.
Protein change: p.Lys1491Asn; replaces lysine 1491 with asparagine.
Molecular consequence: missense variant.
Genome position (GRCh38, 1-based): chr16:2,084,695, A>C. VCF-style: chr16-2084695-A-C. GRCh37 (hg19) VCF-style: chr16-2134696-A-C.
Other names: c.4272A>C, p.Lys1424Asn (NM_001077183.3); c.4404A>C, p.Lys1468Asn (NM_001114382.3); c.4164A>C, p.Lys1388Asn (NM_001318827.2); c.4128A>C, p.Lys1376Asn (NM_001318829.2); c.3741A>C, p.Lys1247Asn (NM_001318831.2); c.4305A>C, p.Lys1435Asn (NM_001318832.2); c.4275A>C, p.Lys1425Asn (NM_001363528.2); c.4341A>C, p.Lys1447Asn (NM_001370404.1); and 1 more; short protein forms K1424N, K1425N, K1388N, K1435N, K1448N, K1468N, K1247N, K1376N.
Identifiers: ClinVar variation 947184 (VCV000947184.10), dbSNP rs1266546987, ClinGen allele CA394302529.
Genomic context (GRCh38, chr16:2,084,695, plus strand): 5'-GGGCAAGAGAGTAGAGAGGGACGCCTTAAAGAGCAGAGCCACAGCCTCCAATGCAGAGAA[A>C]GTGCCAGGCATCAACCCCAGGTGGGCCTCTTGCTTCCGGGCGGGGCTCCTGACACCTCTC-3'
Protein context (NP_000539.2, residues 1481-1501): KSRATASNAE[Lys1491Asn]VPGINPSFVF

ClinVar aggregate classification (germline): Conflicting classifications of pathogenicity. Review status: criteria provided, conflicting classifications (1 of 4 stars). 2 submissions from 2 submitters: Uncertain significance (1); Benign (1). Last evaluated 2024-11-28.

Conditions:
Hereditary cancer-predisposing syndrome. Also called: Neoplastic Syndromes, Hereditary; Hereditary neoplastic syndrome; Hereditary Cancer Syndrome; Tumor predisposition. Identifiers: Orphanet 140162, MedGen C0027672, MeSH D009386, MONDO:0015356.
Tuberous sclerosis 2 (TSC2). Identifiers: Orphanet 805, MedGen C1860707, MONDO:0013199, OMIM 613254.

Allele frequency attached by ClinVar (database versions not stated): gnomAD exomes below 0.00001.
gnomAD v4.1: 1 of 1,598,330 alleles (0.000063%); highest among the groups gnomAD compares: Non-Finnish European, 0.000085%; no homozygotes.

Submissions (2):

Ambry Genetics
Classification: Uncertain significance for Hereditary cancer-predisposing syndrome. Last evaluated: 2024-11-28. Review status: criteria provided, single submitter. Criteria: Ambry Variant Classification Scheme 2023. Collection method: clinical testing. Allele origin: germline.
Comment: The p.K1491N variant (also known as c.4473A>C), located in coding exon 33 of the TSC2 gene, results from an A to C substitution at nucleotide position 4473. The lysine at codon 1491 is replaced by asparagine, an amino acid with similar properties. This amino acid position is conserved. In addition, the in silico prediction for this alteration is inconclusive. Based on the available evidence, the clinical significance of this variant remains unclear.

Labcorp Genetics (formerly Invitae), Labcorp
Classification: Benign for Tuberous sclerosis 2. Last evaluated: 2022-12-06. Review status: criteria provided, single submitter. Criteria: Invitae Variant Classification Sherloc (09022015). Collection method: clinical testing. Allele origin: germline.